The following is an entry in ClinVar:

NM_001277115.2(DNAH11):c.11255A>C (p.Asp3752Ala)

Gene: DNAH11 (dynein axonemal heavy chain 11; plus strand). Cytogenetic location: 7p15.3.
Variant type: single nucleotide variant.
Coding change: c.11255A>C on transcript NM_001277115.2 (MANE Select); coding-DNA position 11255, A replaced by C.
Protein change: p.Asp3752Ala; replaces aspartic acid 3752 with alanine.
Molecular consequence: missense variant.
Genome position (GRCh38, 1-based): chr7:21,861,905, A>C. VCF-style: chr7-21861905-A-C. GRCh37 (hg19) VCF-style: chr7-21901523-A-C.
Other names: short protein forms D3752A.
Identifiers: ClinVar variation 951183 (VCV000951183.11), dbSNP rs767469708, ClinGen allele CA4182681.

ClinVar aggregate classification (germline): Conflicting classifications of pathogenicity. Review status: criteria provided, conflicting classifications (1 of 4 stars). 2 submissions from 2 submitters: Uncertain significance (1); Benign (1). Last evaluated 2026-07-28.

Conditions:
Primary ciliary dyskinesia. Also called: Ciliary dyskinesia. Identifiers: Orphanet 244, MedGen C0008780, MONDO:0016575, HP:0012265.

Allele frequency attached by ClinVar (database versions not stated): gnomAD 0.00001; ExAC 0.00003; gnomAD exomes 0.00001 and 0.00003; TOPMed below 0.00001.
gnomAD v4.1: 11 of 1,613,484 alleles (0.00068%); highest among the groups gnomAD compares: East Asian, 0.022%; no homozygotes.

Submissions (2):

Ambry Genetics
Classification: Uncertain significance for Primary ciliary dyskinesia. Last evaluated: 2026-07-28. Review status: criteria provided, single submitter. Criteria: Ambry Variant Classification Scheme 2023. Collection method: clinical testing. Allele origin: germline.
Comment: The c.11255A>C (p.D3752A) alteration is located in exon 69 (coding exon 69) of the DNAH11 gene. This alteration results from a A to C substitution at nucleotide position 11255, causing the aspartic acid (D) at amino acid position 3752 to be replaced by an alanine (A). Based on data from gnomAD, the C allele has an overall frequency of 0.003% (7/248384) total alleles studied. The highest observed frequency was 0.033% (6/17946) of East Asian alleles. Based on insufficient or conflicting evidence, the clinical significance of this alteration remains unclear.

Labcorp Genetics (formerly Invitae), Labcorp
Classification: Benign for Primary ciliary dyskinesia. Last evaluated: 2025-11-04. Review status: criteria provided, single submitter. Criteria: Invitae Variant Classification Sherloc (09022015). Collection method: clinical testing. Allele origin: germline.